The following is an entry in ClinVar:

ClinVar aggregate classification (germline): Uncertain significance. Review status: criteria provided, multiple submitters, no conflicts (2 of 4 stars). 5 submissions from 5 submitters: Uncertain significance (4). 1 of the submissions does not count toward it. Last evaluated 2025-08-19.

Conditions:
PLEC-related disorder. Also called: PLEC-related disorders; PLEC-related condition.
Epidermolysis bullosa simplex, Ogna type (EBS5A). Also called: Pidermolysis bullosa simplex 5A, Ogna type; EPIDERMOLYSIS BULLOSA SIMPLEX 5A, OGNA TYPE. Identifiers: Orphanet 79401, MedGen C0432317, MONDO:0007555, OMIM 131950.
Autosomal recessive limb-girdle muscular dystrophy type 2Q (LGMDR17). Also called: MUSCULAR DYSTROPHY, LIMB-GIRDLE, AUTOSOMAL RECESSIVE 17. Identifiers: Orphanet 254361, MedGen C3150989, MONDO:0013390, OMIM 613723.
Epidermolysis bullosa simplex 5C, with pyloric atresia (EBS5C). Also called: PLEC-Related Epidermolysis Bullosa with Pyloric Atresia; Epidermolysis bullosa simplex with pyloric atresia; PLEC1-Related Epidermolysis Bullosa with Pyloric Atresia. Identifiers: Orphanet 158684, MedGen C2677349, MONDO:0012807, OMIM 612138.
Epidermolysis bullosa simplex 5B, with muscular dystrophy (EBS5B). Also called: EPIDERMOLYSIS BULLOSA SIMPLEX AND LIMB-GIRDLE MUSCULAR DYSTROPHY; Epidermolysis bullosa simplex with muscular dystrophy. Identifiers: Orphanet 257, MedGen C2931072, MONDO:0009181, OMIM 226670.
Epidermolysis bullosa simplex with nail dystrophy (EBS5D). Identifiers: MedGen C4225309, MONDO:0014661, OMIM 616487.
Inborn genetic diseases. Identifiers: MedGen C0950123, MeSH D030342.

Allele frequency attached by ClinVar (database versions not stated): ExAC 0.00007; gnomAD exomes 0.00008 and 0.00019; gnomAD 0.00009 and 0.00011; TOPMed 0.00010; ESP Exome Variant Server 0.00016.
gnomAD v4.1: 286 of 1,611,358 alleles (0.018%); highest among the groups gnomAD compares: Non-Finnish European, 0.023%; no homozygotes.

Submissions (5):

Labcorp Genetics (formerly Invitae), Labcorp
Classification: Uncertain significance for Autosomal recessive limb-girdle muscular dystrophy type 2Q; Epidermolysis bullosa simplex, Ogna type; Epidermolysis bullosa simplex with nail dystrophy; Epidermolysis bullosa simplex 5C, with pyloric atresia; Epidermolysis bullosa simplex 5B, with muscular dystrophy. Last evaluated: 2025-08-19. Review status: criteria provided, single submitter. Criteria: Invitae Variant Classification Sherloc (09022015). Collection method: clinical testing. Allele origin: germline.
Comment: This sequence change replaces serine, which is neutral and polar, with leucine, which is neutral and non-polar, at codon 3124 of the PLEC protein (p.Ser3124Leu). This variant is present in population databases (rs112196104, gnomAD 0.01%). This variant has not been reported in the literature in individuals affected with PLEC-related conditions. ClinVar contains an entry for this variant (Variation ID: 538991). An algorithm developed to predict the effect of missense changes on protein structure and function outputs the following: PolyPhen-2: "Probably Damaging". The leucine amino acid residue is found in multiple mammalian species, which suggests that this missense change does not adversely affect protein function. In summary, the available evidence is currently insufficient to determine the role of this variant in disease. Therefore, it has been classified as a Variant of Uncertain Significance.

Ambry Genetics
Classification: Uncertain significance for Inborn genetic diseases. Last evaluated: 2024-12-09. Review status: criteria provided, single submitter. Criteria: Ambry Variant Classification Scheme 2023. Collection method: clinical testing. Allele origin: germline.

GeneDx
Classification: Uncertain significance. Last evaluated: 2024-08-20. Review status: criteria provided, single submitter. Criteria: GeneDx Variant Classification Process June 2021. Collection method: clinical testing. Allele origin: germline. Affected: yes.
Comment: Not observed at significant frequency in large population cohorts (gnomAD); In silico analysis supports that this missense variant has a deleterious effect on protein structure/function; Has not been previously published as pathogenic or benign to our knowledge

Revvity Omics, Revvity
Classification: Uncertain significance. Last evaluated: 2022-09-19. Review status: criteria provided, single submitter. Criteria: ACMG Guidelines, 2015. Collection method: clinical testing. Allele origin: germline.

PreventionGenetics, part of Exact Sciences
Classification: Uncertain significance for PLEC-related condition. Last evaluated: 2024-01-28. Review status: no assertion criteria provided. Collection method: clinical testing. Allele origin: germline. Not counted in ClinVar's aggregate classification.
Comment: The PLEC c.9371C>T variant is predicted to result in the amino acid substitution p.Ser3124Leu. To our knowledge, this variant has not been reported in the literature. This variant is reported in 0.012% of alleles in individuals of European (Non-Finnish) descent in gnomAD. At this time, the clinical significance of this variant is uncertain due to the absence of conclusive functional and genetic evidence.

NM_201384.3(PLEC):c.9290C>T (p.Ser3097Leu)

Gene: PLEC (plectin; minus strand). Cytogenetic location: 8q24.3.
Variant type: single nucleotide variant.
Coding change: c.9290C>T on transcript NM_201384.3 (MANE Select); coding-DNA position 9290, C replaced by T.
Protein change: p.Ser3097Leu; replaces serine 3097 with leucine.
Molecular consequence: missense variant.
Genome position (GRCh38, 1-based): chr8:143,920,531, G>A on the plus strand (C>T on the coding strand, the complement: PLEC is on the minus strand). VCF-style: chr8-143920531-G-A. GRCh37 (hg19) VCF-style: chr8-144994699-G-A.
Other names: c.9371C>T, p.Ser3124Leu (NM_000445.5); c.9248C>T, p.Ser3083Leu (NM_201378.4); c.9224C>T, p.Ser3075Leu (NM_201379.3); c.9701C>T, p.Ser3234Leu (NM_201380.4); c.9194C>T, p.Ser3065Leu (NM_201381.3); c.9290C>T, p.Ser3097Leu (NM_201382.4); c.9302C>T, p.Ser3101Leu (NM_201383.3); c.9371C>T (NM_000445.3); short protein forms S3065L, S3083L, S3075L, S3101L, S3097L, S3124L, S3234L.
Identifiers: ClinVar variation 538991 (VCV000538991.14), dbSNP rs112196104, ClinGen allele CA4925014.